The following is an entry in ClinVar:

NM_032237.5(POMK):c.737A>G (p.His246Arg)

Gene: POMK (protein O-mannose kinase; plus strand). Cytogenetic location: 8p11.21.
Variant type: single nucleotide variant.
Coding change: c.737A>G on transcript NM_032237.5 (MANE Select); coding-DNA position 737, A replaced by G.
Protein change: p.His246Arg; replaces histidine 246 with arginine.
Molecular consequence: missense variant.
Genome position (GRCh38, 1-based): chr8:43,122,561, A>G. VCF-style: chr8-43122561-A-G. GRCh37 (hg19) VCF-style: chr8-42977704-A-G.
Other names: c.737A>G, p.His246Arg (NM_001277971.2); short protein forms H246R.
Identifiers: ClinVar variation 2079583 (VCV002079583.4), dbSNP rs776753930, ClinGen allele CA4736348.
Genomic context (GRCh38, chr8:43,122,561, plus strand): 5'-ATGACTTGGACGCCTTACCCCTGGTGAACCACAGCTCCGGGATGCTGGTGAAGTGCGGCC[A>G]CAGGGAGCTGCATGGGGATTTCGTGGCTCCAGAGCAACTGTGGCCCTATGGAGAGGACGT-3'
Protein context (NP_115613.1, residues 236-256): HSSGMLVKCG[His246Arg]RELHGDFVAP

ClinVar aggregate classification (germline): Uncertain significance (1 of 4 stars; one submission).

Conditions:
Limb-girdle muscular dystrophy due to POMK deficiency. Also called: Muscular dystrophy-dystroglycanopathy (limb-girdle), type c, 12; MUSCULAR DYSTROPHY-DYSTROGLYCANOPATHY, LIMB-GIRDLE, POMK-RELATED. Identifiers: Orphanet 445110, MedGen C4015184, MONDO:0014489, OMIM 616094.
Muscular dystrophy-dystroglycanopathy (congenital with brain and eye anomalies), type a, 12 (MDDGA12). Also called: WALKER-WARBURG SYNDROME OR MUSCLE-EYE-BRAIN DISEASE, POMK-RELATED. Identifiers: Orphanet 899, MedGen C3808964, MONDO:0014101, OMIM 615249.

Allele frequency attached by ClinVar (database versions not stated): gnomAD exomes 0.00001; TOPMed 0.00001; ExAC 0.00007.
gnomAD v4.1: 20 of 1,614,192 alleles (0.0012%); highest among the groups gnomAD compares: Non-Finnish European, 0.0016%; no homozygotes.

Submission:

Labcorp Genetics (formerly Invitae), Labcorp
Classification: Uncertain significance for Muscular dystrophy-dystroglycanopathy (congenital with brain and eye anomalies), type a, 12; Limb-girdle muscular dystrophy due to POMK deficiency. Last evaluated: 2022-09-16. Review status: criteria provided, single submitter. Criteria: Invitae Variant Classification Sherloc (09022015). Collection method: clinical testing. Allele origin: germline.
Comment: This sequence change replaces histidine, which is basic and polar, with arginine, which is basic and polar, at codon 246 of the POMK protein (p.His246Arg). Advanced modeling of protein sequence and biophysical properties (such as structural, functional, and spatial information, amino acid conservation, physicochemical variation, residue mobility, and thermodynamic stability) performed at Invitae indicates that this missense variant is not expected to disrupt POMK protein function. In summary, the available evidence is currently insufficient to determine the role of this variant in disease. Therefore, it has been classified as a Variant of Uncertain Significance. This variant has not been reported in the literature in individuals affected with POMK-related conditions. This variant is present in population databases (rs776753930, gnomAD 0.007%).